The following is an entry in ClinVar:

ClinVar aggregate classification (germline): Uncertain significance (1 of 4 stars; one submission).

Conditions:
3-methylglutaconic aciduria, type VIIB (MGCA7B). Also called: CLPB Deficiency; 3-methylglutaconic aciduria with cataracts, neurologic involvement and neutropenia; 3-methylglutaconic aciduria, type VII, with cataracts, neurologic involvement and neutropenia. Identifiers: Orphanet 445038, MedGen C5676893, MONDO:0014561, OMIM 616271.

gnomAD v4.1: 1 of 1,614,178 alleles (0.000062%); highest among the groups gnomAD compares: South Asian, 0.0011%; no homozygotes.

Submission:

Labcorp Genetics (formerly Invitae), Labcorp
Classification: Uncertain significance for 3-methylglutaconic aciduria, type VIIB. Last evaluated: 2024-06-17. Review status: criteria provided, single submitter. Criteria: Invitae Variant Classification Sherloc (09022015). Collection method: clinical testing. Allele origin: germline.
Comment: This sequence change replaces glutamine, which is neutral and polar, with histidine, which is basic and polar, at codon 670 of the CLPB protein (p.Gln670His). This variant is not present in population databases (gnomAD no frequency). This variant has not been reported in the literature in individuals affected with CLPB-related conditions. An algorithm developed to predict the effect of missense changes on protein structure and function (PolyPhen-2) suggests that this variant is likely to be tolerated. In summary, the available evidence is currently insufficient to determine the role of this variant in disease. Therefore, it has been classified as a Variant of Uncertain Significance.

NM_001258392.3(CLPB):c.1920G>C (p.Gln640His)

Gene: CLPB (ClpB family mitochondrial disaggregase; minus strand). Cytogenetic location: 11q13.4.
Variant type: single nucleotide variant.
Coding change: c.1920G>C on transcript NM_001258392.3 (MANE Select); coding-DNA position 1920, G replaced by C.
Protein change: p.Gln640His; replaces glutamine 640 with histidine.
Molecular consequence: missense variant.
Genome position (GRCh38, 1-based): chr11:72,293,481, C>G on the plus strand (G>C on the coding strand, the complement: CLPB is on the minus strand). VCF-style: chr11-72293481-C-G. GRCh37 (hg19) VCF-style: chr11-72004525-C-G.
Other names: c.2010G>C, p.Gln670His (NM_030813.6); c.1833G>C, p.Gln611His (NM_001258393.3); c.1875G>C, p.Gln625His (NM_001258394.3); short protein forms Q670H, Q611H, Q625H, Q640H.
Identifiers: ClinVar variation 2849801 (VCV002849801.3), dbSNP rs749905039, ClinGen allele CA381723649.